The following is an entry in ClinVar:

ClinVar aggregate classification (germline): Uncertain significance (1 of 4 stars; one submission).

Allele frequency attached by ClinVar (database versions not stated): TOPMed below 0.00001; ExAC 0.00001; gnomAD 0.00001.
gnomAD v4.1: 6 of 1,580,980 alleles (0.00038%); highest among the groups gnomAD compares: Admixed American, 0.0017%; no homozygotes.

Submission:

Labcorp Genetics (formerly Invitae), Labcorp
Classification: Uncertain significance. Last evaluated: 2024-11-05. Review status: criteria provided, single submitter. Criteria: Invitae Variant Classification Sherloc (09022015). Collection method: clinical testing. Allele origin: germline.
Comment: This sequence change replaces tyrosine, which is neutral and polar, with cysteine, which is neutral and slightly polar, at codon 59 of the NT5C3A protein (p.Tyr59Cys). This variant is present in population databases (rs773597198, gnomAD 0.0009%). This variant has not been reported in the literature in individuals affected with NT5C3A-related conditions. ClinVar contains an entry for this variant (Variation ID: 1941350). Invitae Evidence Modeling of protein sequence and biophysical properties (such as structural, functional, and spatial information, amino acid conservation, physicochemical variation, residue mobility, and thermodynamic stability) indicates that this missense variant is not expected to disrupt NT5C3A protein function with a negative predictive value of 80%. In summary, the available evidence is currently insufficient to determine the role of this variant in disease. Therefore, it has been classified as a Variant of Uncertain Significance.

NM_001002010.5(NT5C3A):c.278A>G (p.Tyr93Cys)

Gene: NT5C3A (5'-nucleotidase, cytosolic IIIA; minus strand). Cytogenetic location: 7p14.3.
Variant type: single nucleotide variant.
Coding change: c.278A>G on transcript NM_001002010.5 (MANE Select); coding-DNA position 278, A replaced by G.
Protein change: p.Tyr93Cys; replaces tyrosine 93 with cysteine.
Molecular consequence: missense variant.
Genome position (GRCh38, 1-based): chr7:33,024,068, T>C on the plus strand (A>G on the coding strand, the complement: NT5C3A is on the minus strand). VCF-style: chr7-33024068-T-C. GRCh37 (hg19) VCF-style: chr7-33063680-T-C.
Other names: c.176A>G, p.Tyr59Cys (NM_001002009.3, NM_016489.14); c.140A>G, p.Tyr47Cys (NM_001166118.3, NM_001356996.3, NM_001374336.1 and 1 more transcripts); c.179A>G, p.Tyr60Cys (NM_001374335.1); c.278A>G, p.Tyr93Cys (NM_001374338.1); c.77A>G, p.Tyr26Cys (NM_001374339.1); short protein forms Y26C, Y47C, Y93C, Y59C, Y60C.
Identifiers: ClinVar variation 1941350 (VCV001941350.5), dbSNP rs773597198, ClinGen allele CA4213492.